The following is an entry in ClinVar:

ClinVar aggregate classification (germline): Uncertain significance. Review status: criteria provided, multiple submitters, no conflicts (2 of 4 stars). 2 submissions from 2 submitters: Uncertain significance (2). Last evaluated 2024-06-09.

Conditions:
Classic or attenuated familial adenomatous polyposis. Identifiers: MedGen CN372698, MONDO:0021057.
Familial adenomatous polyposis 1 (FAP1). Also called: FAMILIAL ADENOMATOUS POLYPOSIS 1, ATTENUATED; POLYPOSIS, ADENOMATOUS INTESTINAL. Identifiers: MedGen C2713442, MONDO:0021056, OMIM 175100. Disease mechanism: loss of function.

Submissions (2):

All of Us Research Program, National Institutes of Health
Classification: Uncertain significance for Classic or attenuated familial adenomatous polyposis. Last evaluated: 2024-06-09. Review status: criteria provided, single submitter. Criteria: ACMG Guidelines, 2015. Collection method: clinical testing. Allele origin: germline. Inheritance: Autosomal dominant inheritance. Observed: 1 variant allele, 1 heterozygote.
Comment: This missense variant replaces methionine with leucine at codon 2213 of the APC protein. Computational prediction suggests that this variant may not impact protein structure and function (internally defined REVEL score threshold <= 0.5, PMID: 27666373). To our knowledge, functional studies have not been reported for this variant. This variant has not been reported in individuals affected with APC-related disorders in the literature. This variant has not been identified in the general population by the Genome Aggregation Database (gnomAD). The available evidence is insufficient to determine the role of this variant in disease conclusively. Therefore, this variant is classified as a Variant of Uncertain Significance.

This study involves interpretation of variants in research participants for the purpose of population health screening. Participant phenotype was not available at the time of variant classification. Additional details can be found in publication PMID: 35346344, PMCID: PMC8962531

Labcorp Genetics (formerly Invitae), Labcorp
Classification: Uncertain significance for Familial adenomatous polyposis 1. Last evaluated: 2017-11-18. Review status: criteria provided, single submitter. Criteria: Invitae Variant Classification Sherloc (09022015). Collection method: clinical testing. Allele origin: germline.
Comment: In summary, the available evidence is currently insufficient to determine the role of this variant in disease. Therefore, it has been classified as a Variant of Uncertain Significance. Algorithms developed to predict the effect of missense changes on protein structure and function output the following: SIFT: "Tolerated"; PolyPhen-2: "Benign"; Align-GVGD: "Class C0". The leucine amino acid residue is found in multiple mammalian species, suggesting that this missense change does not adversely affect protein function. These predictions have not been confirmed by published functional studies and their clinical significance is uncertain. This variant has not been reported in the literature in individuals with APC-related disease. This variant is not present in population databases (ExAC no frequency). This sequence change replaces methionine with leucine at codon 2213 of the APC protein (p.Met2213Leu). The methionine residue is moderately conserved and there is a small physicochemical difference between methionine and leucine.

NM_000038.6(APC):c.6637A>T (p.Met2213Leu)

Gene: APC (APC regulator of Wnt signaling pathway; plus strand). Cytogenetic location: 5q22.2.
Variant type: single nucleotide variant.
Coding change: c.6637A>T on transcript NM_000038.6 (MANE Select); coding-DNA position 6637, A replaced by T.
Protein change: p.Met2213Leu; replaces methionine 2213 with leucine.
Molecular consequence: missense variant.
Genome position (GRCh38, 1-based): chr5:112,842,231, A>T. VCF-style: chr5-112842231-A-T. GRCh37 (hg19) VCF-style: chr5-112177928-A-T.
Other names: c.6637A>T, p.Met2213Leu (NM_001127510.3, NM_001354895.2); c.6583A>T, p.Met2195Leu (NM_001127511.3); c.6691A>T, p.Met2231Leu (NM_001354896.2); c.6667A>T, p.Met2223Leu (NM_001354897.2); c.6562A>T, p.Met2188Leu (NM_001354898.2); c.6553A>T, p.Met2185Leu (NM_001354899.2); c.6514A>T, p.Met2172Leu (NM_001354900.2); c.6460A>T, p.Met2154Leu (NM_001354901.2); and 5 more; short protein forms M2195L, M2213L, M1930L, M2053L, M2122L, M2172L, M2185L, M2154L.
Identifiers: ClinVar variation 537545 (VCV000537545.11), dbSNP rs186926737, ClinGen allele CA16035848.